The following is an entry in ClinVar:

NM_020975.6(RET):c.135A>G (p.Ala45=)

Gene: RET (ret proto-oncogene; plus strand). Cytogenetic location: 10q11.21.
Variant type: single nucleotide variant.
Coding change: c.135A>G on transcript NM_020975.6 (MANE Select); coding-DNA position 135, A replaced by G.
Protein change: p.Ala45=; no amino-acid change (alanine 45 retained).
Molecular consequence: synonymous variant. On other transcripts: intron variant (4).
Genome position (GRCh38, 1-based): chr10:43,100,520, A>G. VCF-style: chr10-43100520-A-G. GRCh37 (hg19) VCF-style: chr10-43595968-A-G.
Other names: c.135A>G (NM_020975.5); c.135A>G, p.Ala45= (NM_000323.2, NM_001406743.1, NM_001406744.1 and 34 more transcripts); c.135G=, p.Ala45= (NM_020975.4); c.74-8511A>G (NM_001406784.1); c.74-11579A>G (NM_001406794.1, NM_001406792.1, NM_001406793.1).
Identifiers: ClinVar variation 167589 (VCV000167589.34), dbSNP rs1800858, ClinGen allele CA009515.
Genomic context (GRCh38, chr10:43,100,520, plus strand): 5'-GGCATTGGGCCTCTACTTCTCGAGGGATGCTTACTGGGAGAAGCTGTATGTGGACCAGGC[A>G]GCCGGCACGCCCTTGCTGTACGTCCATGCCCTGCGGGACGCCCCTGAGGAGGTGCCCAGC-3'
Protein context (NP_066124.1, residues 35-55): AYWEKLYVDQ[Ala45=]AGTPLLYVHA

ClinVar aggregate classification (germline): Benign. Review status: criteria provided, multiple submitters, no conflicts (2 of 4 stars). 14 submissions from 12 submitters: Benign (12). 2 of the submissions do not count toward it. Last evaluated 2026-02-04.

Conditions:
Pheochromocytoma. Also called: MAX-Related Hereditary Paraganglioma-Pheochromocytoma Syndrome. Identifiers: Orphanet 29072, MedGen C0031511, MONDO:0008233, OMIM 171300, HP:0002666.
Multiple endocrine neoplasia type 2B. Also called: MEN 2B; MEN IIB; NEUROMATA, MUCOSAL, WITH ENDOCRINE TUMORS; MUCOSAL NEUROMA SYNDROME; WAGENMANN-FROBOESE SYNDROME; MULTIPLE ENDOCRINE NEOPLASIA, TYPE III. Identifiers: Orphanet 247709, Orphanet 653, MedGen C0025269, MeSH D018814, MONDO:0008082, OMIM 162300.
Multiple endocrine neoplasia type 2A. Also called: MULTIPLE ENDOCRINE NEOPLASIA, TYPE IIA; PTC SYNDROME; SIPPLE SYNDROME; MEN 2A; MEN-2A syndrome; Pheochromocytoma and amyloid producing medullary thyroid carcinoma. Identifiers: Orphanet 247698, Orphanet 653, MedGen C0025268, MeSH D018813, MONDO:0008234, OMIM 171400.
Hirschsprung disease, susceptibility to, 1 (HSCR1). Also called: RET-Related Hirschsprung Disease. Identifiers: Orphanet 388, MedGen C3888239, MONDO:0007723, OMIM 142623.
Hereditary cancer-predisposing syndrome. Also called: Tumor predisposition; Neoplastic Syndromes, Hereditary; Hereditary neoplastic syndrome; Hereditary Cancer Syndrome. Identifiers: Orphanet 140162, MedGen C0027672, MeSH D009386, MONDO:0015356.
Multiple endocrine neoplasia, type 2 (MEN2). Identifiers: Orphanet 653, MedGen C4048306, MONDO:0019003. Disease mechanism: gain of function.

Allele frequency attached by ClinVar (database versions not stated): gnomAD exomes 0.73116 and 0.74094; ExAC 0.73653; 1000 Genomes Project 0.75359; 1000 Genomes Project 30x 0.76624; gnomAD 0.78517 and 0.79274; TOPMed 0.80312.
gnomAD v4.1: 1,202,244 of 1,613,574 alleles (75%); highest among the groups gnomAD compares: African/African-American, 95%; 451,003 homozygotes.

Submissions (14):

Labcorp Genetics (formerly Invitae), Labcorp
Classification: Benign for Multiple endocrine neoplasia, type 2. Last evaluated: 2026-02-04. Review status: criteria provided, single submitter. Criteria: Invitae Variant Classification Sherloc (09022015). Collection method: clinical testing. Allele origin: germline.

GeneKor MSA
Classification: Benign for Hereditary cancer-predisposing syndrome. Last evaluated: 2025-07-10. Review status: criteria provided, single submitter. Criteria: ACMG Guidelines, 2015. Collection method: clinical testing. Allele origin: germline.

Genomic Medicine Center of Excellence, King Faisal Specialist Hospital and Research Centre
Classification: Benign for Hirschsprung disease, susceptibility to, 1. Last evaluated: 2024-12-19. Review status: criteria provided, single submitter. Criteria: ACMG Guidelines, 2015. Collection method: clinical testing. Allele origin: germline.

Blueprint Genetics
Classification: Benign. Last evaluated: 2024-11-27. Review status: criteria provided, single submitter. Criteria: ACMG Guidelines, 2015. Collection method: clinical testing. Allele origin: germline.

Genome-Nilou Lab
Classification: Benign for Multiple endocrine neoplasia type 2A. Last evaluated: 2021-11-07. Review status: criteria provided, single submitter. Criteria: ACMG Guidelines, 2015. Collection method: clinical testing. Allele origin: germline. Affected: no.

Genome-Nilou Lab
Classification: Benign for Multiple endocrine neoplasia type 2B. Last evaluated: 2021-11-07. Review status: criteria provided, single submitter. Criteria: ACMG Guidelines, 2015. Collection method: clinical testing. Allele origin: germline. Affected: no.

Genome-Nilou Lab
Classification: Benign for Pheochromocytoma. Last evaluated: 2021-11-07. Review status: criteria provided, single submitter. Criteria: ACMG Guidelines, 2015. Collection method: clinical testing. Allele origin: germline. Affected: no.

Genetics and Molecular Pathology, SA Pathology
Classification: Benign for Multiple endocrine neoplasia, type 2. Last evaluated: 2019-08-06. Review status: criteria provided, single submitter. Criteria: ACMG Guidelines, 2015. Collection method: clinical testing. Allele origin: germline. Inheritance: Autosomal dominant inheritance. Affected: yes.

Color Diagnostics, LLC DBA Color Health
Classification: Benign for Multiple endocrine neoplasia, type 2. Last evaluated: 2019-03-28. Review status: criteria provided, single submitter. Criteria: ACMG Guidelines, 2015. Collection method: clinical testing. Allele origin: germline.

Laboratory for Molecular Medicine, Mass General Brigham Personalized Medicine
Classification: Benign. Last evaluated: 2018-03-12. Review status: criteria provided, single submitter. Criteria: LMM Criteria. Collection method: clinical testing. Allele origin: germline. Observed: 84 variant alleles.
Comment: This "variant" is a RefSeq error. G at this position is the major allele with an allele frequency of 73.6% in gnomAD (0-43595968-A-G).

Eurofins Ntd Llc (ga)
Classification: Benign. Last evaluated: 2016-03-23. Review status: criteria provided, single submitter. Criteria: EGL Classification Definitions 2015. Collection method: clinical testing. Allele origin: germline. Observed: 106 variant alleles, 44 heterozygotes, 62 homozygotes.

Breakthrough Genomics
Classification: Benign. Review status: criteria provided, single submitter. Criteria: ACMG Guidelines, 2015. Collection method: not provided. Allele origin: germline. Inheritance: Autosomal dominant inheritance. Affected: yes.

Clinical Genetics DNA and cytogenetics Diagnostics Lab, Erasmus MC, Erasmus Medical Center
Classification: Likely benign. Review status: no assertion criteria provided. Collection method: clinical testing. Allele origin: germline. Affected: yes. Study: VKGL Data-share Consensus. Not counted in ClinVar's aggregate classification.

Diagnostic Laboratory, Department of Genetics, University Medical Center Groningen
Classification: Benign. Review status: no assertion criteria provided. Collection method: clinical testing. Allele origin: germline. Affected: yes. Study: VKGL Data-share Consensus. Not counted in ClinVar's aggregate classification.

Literature cited by the submitters: PubMed 21349203 (cited by Laboratory for Molecular Medicine, Mass General Brigham Personalized Medicine); PubMed 20454948 (cited by Laboratory for Molecular Medicine, Mass General Brigham Personalized Medicine); PubMed 23059849 (cited by Laboratory for Molecular Medicine, Mass General Brigham Personalized Medicine); PubMed 11950855 (cited by Laboratory for Molecular Medicine, Mass General Brigham Personalized Medicine); PubMed 18284634 (cited by Laboratory for Molecular Medicine, Mass General Brigham Personalized Medicine); PubMed 23084198 (cited by Laboratory for Molecular Medicine, Mass General Brigham Personalized Medicine); PubMed 20123584 (cited by Laboratory for Molecular Medicine, Mass General Brigham Personalized Medicine); PubMed 23527089 (cited by Laboratory for Molecular Medicine, Mass General Brigham Personalized Medicine); PubMed 10528857 (cited by Laboratory for Molecular Medicine, Mass General Brigham Personalized Medicine); PubMed 16091499 (cited by Laboratory for Molecular Medicine, Mass General Brigham Personalized Medicine); PubMed 24651702 (cited by Laboratory for Molecular Medicine, Mass General Brigham Personalized Medicine); PubMed 23441071 (cited by Laboratory for Molecular Medicine, Mass General Brigham Personalized Medicine); PubMed 24897126 (cited by Laboratory for Molecular Medicine, Mass General Brigham Personalized Medicine).